The following is an entry in ClinVar:

NC_000010.10:g.(?_105803239)_(105805571_?)del

Gene: COL17A1 (collagen type XVII alpha 1 chain; minus strand). Cytogenetic location: 10q25.1.
Variant type: Deletion.
Identifiers: ClinVar variation 3244951 (VCV003244951.1).

ClinVar aggregate classification (germline): Pathogenic (1 of 4 stars; one submission).

Submission:

Labcorp Genetics (formerly Invitae), Labcorp
Classification: Pathogenic. Last evaluated: 2023-10-10. Review status: criteria provided, single submitter. Criteria: Invitae Variant Classification Sherloc (09022015). Collection method: clinical testing. Allele origin: unknown.
Comment: This variant is a gross deletion of the genomic region encompassing exon(s) 33-35 of the COL17A1 gene. This variant would be expected to be in-frame, preserving the integrity of the reading frame. This variant has not been reported in the literature in individuals affected with COL17A1-related conditions. This variant disrupts a region of the COL17A1 protein in which other variant(s) (p.Gly830Arg) have been determined to be pathogenic (PMID: 36430820). This suggests that this is a clinically significant region of the protein, and that variants that disrupt it are likely to be disease-causing. For these reasons, this variant has been classified as Pathogenic.

Literature cited by the submitters: PubMed 36430820.